The following is an entry in ClinVar:

NM_052845.4(MMAB):c.424T>C (p.Tyr142His)

Gene: MMAB (metabolism of cobalamin associated B; minus strand). Cytogenetic location: 12q24.11.
Variant type: single nucleotide variant.
Coding change: c.424T>C on transcript NM_052845.4 (MANE Select); coding-DNA position 424, T replaced by C.
Protein change: p.Tyr142His; replaces tyrosine 142 with histidine.
Molecular consequence: missense variant. On other transcripts: non-coding transcript variant (1).
Genome position (GRCh38, 1-based): chr12:109,561,515, A>G on the plus strand (T>C on the coding strand, the complement: MMAB is on the minus strand). VCF-style: chr12-109561515-A-G. GRCh37 (hg19) VCF-style: chr12-109999320-A-G.
Other names: short protein forms Y142H.
Identifiers: ClinVar variation 639855 (VCV000639855.10), dbSNP rs886198506, ClinGen allele CA243448350.

ClinVar aggregate classification (germline): Uncertain significance. Review status: criteria provided, multiple submitters, no conflicts (2 of 4 stars). 4 submissions from 4 submitters: Uncertain significance (3). 1 of the submissions does not count toward it. Last evaluated 2024-03-20.

Conditions:
Methylmalonic aciduria, cblB type (MACB). Also called: METHYLMALONIC ACIDURIA, VITAMIN B12-RESPONSIVE, DUE TO DEFECT IN SYNTHESIS OF ADENOSYLCOBALAMIN, cblB TYPE; Methylmalonic acidemia cblB type; Vitamin B12-responsive methylmalonic acidemia type cblB. Identifiers: Orphanet 28, Orphanet 79311, MedGen C1855102, MONDO:0009614, OMIM 251110.

Allele frequency attached by ClinVar (database versions not stated): gnomAD exomes below 0.00001; gnomAD 0.00001; TOPMed 0.00003.
gnomAD v4.1: 3 of 1,548,170 alleles (0.00019%); highest among the groups gnomAD compares: African/African-American, 0.0014%; no homozygotes.

Submissions (4):

Fulgent Genetics
Classification: Uncertain significance for Methylmalonic aciduria, cblB type. Last evaluated: 2024-03-20. Review status: criteria provided, single submitter. Criteria: ACMG Guidelines, 2015. Collection method: clinical testing. Allele origin: germline.

Labcorp Genetics (formerly Invitae), Labcorp
Classification: Uncertain significance for Methylmalonic aciduria, cblB type. Last evaluated: 2021-08-31. Review status: criteria provided, single submitter. Criteria: Invitae Variant Classification Sherloc (09022015). Collection method: clinical testing. Allele origin: germline.
Comment: This sequence change replaces tyrosine with histidine at codon 142 of the MMAB protein (p.Tyr142His). The tyrosine residue is weakly conserved and there is a moderate physicochemical difference between tyrosine and histidine. This variant is not present in population databases (ExAC no frequency). This variant has not been reported in the literature in individuals affected with MMAB-related conditions. Algorithms developed to predict the effect of missense changes on protein structure and function output the following: SIFT: "Tolerated"; PolyPhen-2: "Benign"; Align-GVGD: "Class C0". The histidine amino acid residue is found in multiple mammalian species, which suggests that this missense change does not adversely affect protein function. In summary, the available evidence is currently insufficient to determine the role of this variant in disease. Therefore, it has been classified as a Variant of Uncertain Significance.

Breakthrough Genomics
Classification: Uncertain significance. Review status: criteria provided, single submitter. Criteria: ACMG Guidelines, 2015. Collection method: not provided. Allele origin: germline. Inheritance: Autosomal recessive inheritance. Affected: yes.

Natera, Inc.
Classification: Uncertain significance for Methylmalonic aciduria cblB type. Last evaluated: 2021-05-21. Review status: no assertion criteria provided. Collection method: clinical testing. Allele origin: germline. Not counted in ClinVar's aggregate classification.